The following is an entry in ClinVar:

ClinVar aggregate classification (germline): Uncertain significance (1 of 4 stars; one submission).

Submission:

GeneDx
Classification: Uncertain significance. Last evaluated: 2023-11-18. Review status: criteria provided, single submitter. Criteria: GeneDx Variant Classification Process June 2021. Collection method: clinical testing. Allele origin: germline. Affected: yes.
Comment: Not observed at significant frequency in large population cohorts (gnomAD); In silico analysis supports that this missense variant has a deleterious effect on protein structure/function; Has not been previously published as pathogenic or benign to our knowledge

NM_006088.6(TUBB4B):c.1052C>T (p.Thr351Met)

Gene: TUBB4B (tubulin beta 4B class IVb; plus strand). Cytogenetic location: 9q34.3.
Variant type: single nucleotide variant.
Coding change: c.1052C>T on transcript NM_006088.6 (MANE Select); coding-DNA position 1052, C replaced by T.
Protein change: p.Thr351Met; replaces threonine 351 with methionine.
Molecular consequence: missense variant.
Genome position (GRCh38, 1-based): chr9:137,243,270, C>T. VCF-style: chr9-137243270-C-T. GRCh37 (hg19) VCF-style: chr9-140137722-C-T.
Other names: short protein forms T351M.
Identifiers: ClinVar variation 3364581 (VCV003364581.1).